The following is an entry in ClinVar:

NM_001256789.3(CACNA1F):c.1382C>T (p.Ala461Val)

Gene: CACNA1F (calcium voltage-gated channel subunit alpha1 F; minus strand). Cytogenetic location: Xp11.23.
Variant type: single nucleotide variant.
Coding change: c.1382C>T on transcript NM_001256789.3 (MANE Select); coding-DNA position 1382, C replaced by T.
Protein change: p.Ala461Val; replaces alanine 461 with valine.
Molecular consequence: missense variant.
Genome position (GRCh38, 1-based): chrX:49,226,490, G>A on the plus strand (C>T on the coding strand, the complement: CACNA1F is on the minus strand). VCF-style: chrX-49226490-G-A. GRCh37 (hg19) VCF-style: chrX-49082952-G-A.
Other names: c.1220C>T, p.Ala407Val (NM_001256790.3); c.1415C>T, p.Ala472Val (NM_005183.4); short protein forms A461V, A407V, A472V.
Identifiers: ClinVar variation 753934 (VCV000753934.14), dbSNP rs2272704, ClinGen allele CA10410881.
Genomic context (GRCh38, chrX:49,226,490, plus strand): 5'-AGAGCCCCCTCCTCCTCATCCTCATCGCCTTGGGTCTCTGTCATGGAACCGGTGTCACTG[G>A]CTGGGAGGCTGGCTGTAGGCAAGGTGGGGATAGTGGTCAGGACCTGAAGACCCCGAGGTC-3'
Protein context (NP_001243718.1, residues 451-471): HSTSSHASLP[Ala461Val]SDTGSMTETQ

ClinVar aggregate classification (germline): Benign/Likely benign. Review status: criteria provided, multiple submitters, no conflicts (2 of 4 stars). 3 submissions from 3 submitters: Benign (1); Likely benign (1). 1 of the submissions does not count toward it. Last evaluated 2025-11-27.

Conditions:
CACNA1F-related disorder. Also called: CACNA1F-related condition.

Allele frequency attached by ClinVar (database versions not stated): gnomAD 0.00006 and 0.00011; gnomAD exomes 0.00015 and 0.00029; TOPMed 0.00019; 1000 Genomes Project 30x 0.00021; 1000 Genomes Project 0.00026; ExAC 0.00059.
gnomAD v4.1: 202 of 1,185,268 alleles (0.017%); highest among the groups gnomAD compares: East Asian, 0.49%; no homozygotes.

Submissions (3):

Labcorp Genetics (formerly Invitae), Labcorp
Classification: Benign. Last evaluated: 2025-11-27. Review status: criteria provided, single submitter. Criteria: Invitae Variant Classification Sherloc (09022015). Collection method: clinical testing. Allele origin: germline.

Blueprint Genetics
Classification: Likely benign. Last evaluated: 2024-04-19. Review status: criteria provided, single submitter. Criteria: ACMG Guidelines, 2015. Collection method: clinical testing. Allele origin: germline.

PreventionGenetics, part of Exact Sciences
Classification: Likely benign for CACNA1F-related condition. Last evaluated: 2024-02-13. Review status: no assertion criteria provided. Collection method: clinical testing. Allele origin: germline. Not counted in ClinVar's aggregate classification.
Comment: This variant is classified as likely benign based on ACMG/AMP sequence variant interpretation guidelines (Richards et al. 2015 PMID: 25741868, with internal and published modifications).